The following is an entry in ClinVar:

ClinVar aggregate classification (germline): Conflicting classifications of pathogenicity. Review status: criteria provided, conflicting classifications (1 of 4 stars). 6 submissions from 6 submitters: Pathogenic (2); Likely pathogenic (1); Uncertain significance (2). 1 of the submissions does not count toward it. Last evaluated 2025-02-27.

Conditions:
USH2A-related disorder. Also called: USH2A-related condition; USH2A-related disorders. Identifiers: MedGen CN239332.
Retinitis pigmentosa (RP). Identifiers: Orphanet 791, MedGen C0035334, MeSH D012174, MONDO:0019200, OMIM 268000. Inheritance: Autosomal dominant, autosomal recessive and X linked inheritance.
Retinal dystrophy. Also called: Inherited retinal dystrophy. Identifiers: Orphanet 71862, MedGen C0854723, MeSH D058499, MONDO:0019118, HP:0000556.

Allele frequency attached by ClinVar (database versions not stated): ExAC 0.00001; gnomAD 0.00001; gnomAD exomes 0.00001 and 0.00002; TOPMed 0.00001.
gnomAD v4.1: 22 of 1,613,902 alleles (0.0014%); highest among the groups gnomAD compares: Admixed American, 0.0067%; no homozygotes.

Submissions (6):

PreventionGenetics, part of Exact Sciences
Classification: Uncertain significance for USH2A-related condition. Last evaluated: 2025-02-27. Review status: criteria provided, single submitter. Criteria: ACMG Guidelines, 2015. Collection method: clinical testing. Allele origin: germline.
Comment: The USH2A c.10010G>T variant is predicted to result in the amino acid substitution p.Cys3337Phe. This variant has been reported in individuals with retinitis pigmentosa (Table S4, Jespersgaard et al. 2019. PubMed ID: 30718709; Table S1, Hufnagel et al. 2022. PubMed ID: 35266249; Table S1, Lin et al. 2024. PubMed ID: 38219857). This variant is reported in 0.0085% of alleles in individuals of Latino descent in gnomAD. Although we suspect this variant may be pathogenic, at this time, the clinical significance of this variant is uncertain due to the absence of conclusive functional and genetic evidence.

Labcorp Genetics (formerly Invitae), Labcorp
Classification: Pathogenic. Last evaluated: 2024-12-20. Review status: criteria provided, single submitter. Criteria: Invitae Variant Classification Sherloc (09022015). Collection method: clinical testing. Allele origin: germline.
Comment: This sequence change replaces cysteine, which is neutral and slightly polar, with phenylalanine, which is neutral and non-polar, at codon 3337 of the USH2A protein (p.Cys3337Phe). This variant is present in population databases (rs770756678, gnomAD 0.009%). This missense change has been observed in individual(s) with retinitis pigmentosa (PMID: 30718709; internal data). In at least one individual the data is consistent with being in trans (on the opposite chromosome) from a pathogenic variant. ClinVar contains an entry for this variant (Variation ID: 636210). Invitae Evidence Modeling of protein sequence and biophysical properties (such as structural, functional, and spatial information, amino acid conservation, physicochemical variation, residue mobility, and thermodynamic stability) indicates that this missense variant is expected to disrupt USH2A protein function with a positive predictive value of 95%. For these reasons, this variant has been classified as Pathogenic.

Blueprint Genetics
Classification: Pathogenic for USH2A-related disorders. Last evaluated: 2023-09-26. Review status: criteria provided, single submitter. Criteria: ACMG Guidelines, 2015. Collection method: clinical testing. Allele origin: germline. Affected: yes. Observed: 4 variant alleles.

Women's Health and Genetics/Laboratory Corporation of America, LabCorp
Classification: Uncertain significance. Last evaluated: 2023-08-17. Review status: criteria provided, single submitter. Criteria: LabCorp Variant Classification Summary - May 2015. Collection method: clinical testing. Allele origin: germline.
Comment: Variant summary: USH2A c.10010G>T (p.Cys3337Phe) results in a non-conservative amino acid change in the encoded protein sequence. Four of five in-silico tools predict a damaging effect of the variant on protein function. The variant allele was found at a frequency of 1.6e-05 in 250850 control chromosomes (gnomAD). c.10010G>T has been reported in the literature in individuals affected with Inherited Retinal Disorders or Usher Syndrome (Jespersgaard_2018, Hufnagel_2022). These data indicate that the variant may be associated with disease. To our knowledge, no experimental evidence demonstrating an impact on protein function has been reported. The following publications have been ascertained in the context of this evaluation (PMID: 35266249, 30718709). Two ClinVar submitters have assessed the variant since 2014: one classified the variant as uncertain significance and one as pathogenic. Based on the evidence outlined above, the variant was classified as VUS-possibly pathogenic.

Institute of Human Genetics, Univ. Regensburg, Univ. Regensburg
Classification: Likely pathogenic for Retinal dystrophy. Last evaluated: 2021-01-01. Review status: criteria provided, single submitter. Criteria: ACMG Guidelines, 2015. Collection method: clinical testing. Allele origin: germline. Affected: yes.

Department of Clinical Genetics, Copenhagen University Hospital, Rigshospitalet
Classification: Uncertain significance for Retinitis pigmentosa. Last evaluated: 2018-04-01. Review status: no assertion criteria provided. Collection method: research. Allele origin: unknown. Affected: yes. Study: VeluxRD. Not counted in ClinVar's aggregate classification.

Literature cited by the submitters: PubMed 30718709 (cited by 4 submitters); PubMed 35266249 (cited by Women's Health and Genetics/Laboratory Corporation of America, LabCorp); PubMed 3526624 (cited by Institute of Human Genetics, Univ. Regensburg, Univ. Regensburg).

NM_206933.4(USH2A):c.10010G>T (p.Cys3337Phe)

Gene: USH2A (usherin; minus strand). Cytogenetic location: 1q41.
Variant type: single nucleotide variant.
Coding change: c.10010G>T on transcript NM_206933.4 (MANE Select); coding-DNA position 10010, G replaced by T.
Protein change: p.Cys3337Phe; replaces cysteine 3337 with phenylalanine.
Molecular consequence: missense variant.
Genome position (GRCh38, 1-based): chr1:215,790,231, C>A on the plus strand (G>T on the coding strand, the complement: USH2A is on the minus strand). VCF-style: chr1-215790231-C-A. GRCh37 (hg19) VCF-style: chr1-215963573-C-A.
Other names: short protein forms C3337F.
Identifiers: ClinVar variation 636210 (VCV000636210.10), dbSNP rs770756678, ClinGen allele CA1394152.